The following is an entry in ClinVar:

NM_004408.4(DNM1):c.1557G>C (p.Leu519=)

Gene: DNM1 (dynamin 1; plus strand). Cytogenetic location: 9q34.11.
Variant type: single nucleotide variant.
Coding change: c.1557G>C on transcript NM_004408.4 (MANE Select); coding-DNA position 1557, G replaced by C.
Protein change: p.Leu519=; no amino-acid change (leucine 519 retained).
Molecular consequence: synonymous variant.
Genome position (GRCh38, 1-based): chr9:128,239,996, G>C. VCF-style: chr9-128239996-G-C. GRCh37 (hg19) VCF-style: chr9-131002275-G-C.
Other names: c.1557G>C, p.Leu519= (NM_001005336.3, NM_001288737.2, NM_001288738.2 and 2 more transcripts).
Identifiers: ClinVar variation 2140334 (VCV002140334.11), dbSNP rs763130063, ClinGen allele CA5258220.

ClinVar aggregate classification (germline): Uncertain significance. Review status: criteria provided, multiple submitters, no conflicts (2 of 4 stars). 3 submissions from 3 submitters: Uncertain significance (3). Last evaluated 2026-03-01.

Conditions:
Developmental and epileptic encephalopathy, 31A. Also called: Developmental and epileptic encephalopathy, 31; Epileptic encephalopathy, early infantile, 31. Identifiers: Orphanet 2382, MedGen C4225357, MONDO:0014598, OMIM 616346.

Allele frequency attached by ClinVar (database versions not stated): gnomAD exomes below 0.00001; ExAC 0.00001; gnomAD 0.00001; TOPMed 0.00003.
gnomAD v4.1: 2 of 1,613,996 alleles (0.00012%); highest among the groups gnomAD compares: Admixed American, 0.0033%; no homozygotes.

Submissions (3):

CeGaT Center for Human Genetics Tuebingen
Classification: Uncertain significance. Last evaluated: 2026-03-01. Review status: criteria provided, single submitter. Criteria: CeGaT Center For Human Genetics Tuebingen Variant Classification Criteria Version 2. Collection method: clinical testing. Allele origin: germline. Affected: yes. Observed: 1 variant allele.
Comment: DNM1: PM2, BP4

Labcorp Genetics (formerly Invitae), Labcorp
Classification: Uncertain significance for Developmental and epileptic encephalopathy, 31A. Last evaluated: 2025-06-10. Review status: criteria provided, single submitter. Criteria: Invitae Variant Classification Sherloc (09022015). Collection method: clinical testing. Allele origin: germline.
Comment: This sequence change affects codon 519 of the DNM1 mRNA. It is a 'silent' change, meaning that it does not change the encoded amino acid sequence of the DNM1 protein. This variant also falls at the last nucleotide of exon 14, which is part of the consensus splice site for this exon. This variant is present in population databases (rs763130063, gnomAD 0.006%). This variant has not been reported in the literature in individuals affected with DNM1-related conditions. ClinVar contains an entry for this variant (Variation ID: 2140334). Variants that disrupt the consensus splice site are a relatively common cause of aberrant splicing (PMID: 17576681, 9536098). Algorithms developed to predict the effect of sequence changes on RNA splicing suggest that this variant may disrupt the consensus splice site. In summary, the available evidence is currently insufficient to determine the role of this variant in disease. Therefore, it has been classified as a Variant of Uncertain Significance.

Revvity Omics, Revvity
Classification: Uncertain significance. Last evaluated: 2021-05-19. Review status: criteria provided, single submitter. Criteria: ACMG Guidelines, 2015. Collection method: clinical testing. Allele origin: germline.

Literature cited by the submitters: PubMed 17576681 (cited by Labcorp Genetics (formerly Invitae), Labcorp); PubMed 9536098 (cited by Labcorp Genetics (formerly Invitae), Labcorp).